The following is an entry in ClinVar:

ClinVar aggregate classification (germline): Likely benign. Review status: criteria provided, single submitter (1 of 4 stars). 2 submissions from 2 submitters: Likely benign (1). 1 of the submissions does not count toward it. Last evaluated 2026-01-28.

Conditions:
PPP2CA-related disorder. Also called: PPP2CA-related condition.

Allele frequency attached by ClinVar (database versions not stated): gnomAD exomes 0.00002 and 0.00004; ExAC 0.00006; gnomAD 0.00025 and 0.00026; TOPMed 0.00027; ESP Exome Variant Server 0.00031.
gnomAD v4.1: 74 of 1,614,048 alleles (0.0046%); highest among the groups gnomAD compares: African/African-American, 0.088%; no homozygotes.

Submissions (2):

Labcorp Genetics (formerly Invitae), Labcorp
Classification: Likely benign. Last evaluated: 2026-01-28. Review status: criteria provided, single submitter. Criteria: Invitae Variant Classification Sherloc (09022015). Collection method: clinical testing. Allele origin: germline.

PreventionGenetics, part of Exact Sciences
Classification: Likely benign for PPP2CA-related condition. Last evaluated: 2021-06-18. Review status: no assertion criteria provided. Collection method: clinical testing. Allele origin: germline. Not counted in ClinVar's aggregate classification.
Comment: This variant is classified as likely benign based on ACMG/AMP sequence variant interpretation guidelines (Richards et al. 2015 PMID: 25741868, with internal and published modifications).

NM_002715.4(PPP2CA):c.180G>A (p.Gly60=)

Gene: PPP2CA (protein phosphatase 2 catalytic subunit alpha; minus strand). Cytogenetic location: 5q31.1.
Variant type: single nucleotide variant.
Coding change: c.180G>A on transcript NM_002715.4 (MANE Select); coding-DNA position 180, G replaced by A.
Protein change: p.Gly60=; no amino-acid change (glycine 60 retained).
Molecular consequence: synonymous variant. On other transcripts: 5 prime UTR variant (1), non-coding transcript variant (1).
Genome position (GRCh38, 1-based): chr5:134,206,054, C>T on the plus strand (G>A on the coding strand, the complement: PPP2CA is on the minus strand). VCF-style: chr5-134206054-C-T. GRCh37 (hg19) VCF-style: chr5-133541745-C-T.
Other names: c.180G>A (NM_002715.2); c.-16G>A (NM_001355019.2).
Identifiers: ClinVar variation 1625452 (VCV001625452.10), dbSNP rs145699446, ClinGen allele CA3412875.
Genomic context (GRCh38, chr5:134,206,054, plus strand): 5'-GTAATTTGTATCTGGTGATTTGCCACCAATTCTAAACAGTTCCATGAGATCATGAAATTG[C>T]CCATGCACATCTCCACAGACAGTAACTGGACATCGAACCTCTTGCACGTTGGATTCTTTT-3'
Protein context (NP_002706.1, residues 50-70): CPVTVCGDVH[Gly60=]QFHDLMELFR